The following is an entry in ClinVar:

NM_000535.7(PMS2):c.1551C>A (p.Ser517Arg)

Gene: PMS2 (PMS1 homolog 2, mismatch repair system component; minus strand). Cytogenetic location: 7p22.1.
Variant type: single nucleotide variant.
Coding change: c.1551C>A on transcript NM_000535.7 (MANE Select); coding-DNA position 1551, C replaced by A.
Protein change: p.Ser517Arg; replaces serine 517 with arginine.
Molecular consequence: missense variant. On other transcripts: non-coding transcript variant (1).
Genome position (GRCh38, 1-based): chr7:5,987,214, G>T on the plus strand (C>A on the coding strand, the complement: PMS2 is on the minus strand). VCF-style: chr7-5987214-G-T. GRCh37 (hg19) VCF-style: chr7-6026845-G-T.
Other names: p.Ser517Arg; c.1146C>A, p.Ser382Arg (NM_001322003.2, NM_001322004.2, NM_001322005.2 and 1 more transcripts); c.1395C>A, p.Ser465Arg (NM_001322006.2); c.1233C>A, p.Ser411Arg (NM_001322007.2, NM_001322008.2); c.990C>A, p.Ser330Arg (NM_001322010.2); c.618C>A, p.Ser206Arg (NM_001322011.2, NM_001322012.2); c.978C>A, p.Ser326Arg (NM_001322013.2); c.1551C>A, p.Ser517Arg (NM_001322014.2); and 1 more; short protein forms S517R, S330R, S414R, S206R, S326R, S382R, S411R, S465R.
Identifiers: ClinVar variation 142461 (VCV000142461.27), dbSNP rs587782479, ClinGen allele CA009836.
Genomic context (GRCh38, chr7:5,987,214, plus strand): 5'-CTCCTGAGAGTCCACATGTTCCTGCGAGCCCCTGTCCCCTGGGGAGCTGGCCGCATACTC[G>T]CTGCTGCAGTGACTGCCCGTGTCTGGGATGCTGAACCCCTCAGAATCCACGGAAGTGCTG-3'
Protein context (NP_000526.2, residues 507-527): SIPDTGSHCS[Ser517Arg]EYAASSPGDR

ClinVar aggregate classification (germline): Conflicting classifications of pathogenicity. Review status: criteria provided, conflicting classifications (1 of 4 stars). 8 submissions from 8 submitters: Uncertain significance (7); Likely benign (1). Last evaluated 2025-12-21.

Conditions:
Hereditary nonpolyposis colorectal neoplasms. Identifiers: MedGen C0009405, MeSH D003123.
Mismatch repair cancer syndrome 4. Identifiers: MedGen C5436817, MONDO:0030843, OMIM 619101.
Lynch syndrome 4 (LYNCH4). Also called: Colorectal cancer, hereditary nonpolyposis, type 4; Hereditary non-polyposis colorectal cancer, type 4. Identifiers: Orphanet 144, MedGen C1838333, MONDO:0013699, OMIM 614337. Disease mechanism: loss of function.
Hereditary cancer-predisposing syndrome. Also called: Hereditary Cancer Syndrome; Neoplastic Syndromes, Hereditary; Hereditary neoplastic syndrome; Tumor predisposition. Identifiers: Orphanet 140162, MedGen C0027672, MeSH D009386, MONDO:0015356.
Lynch syndrome. Identifiers: Orphanet 144, MedGen C4552100, MONDO:0005835. Disease mechanism: loss of function.

Allele frequency attached by ClinVar (database versions not stated): TOPMed below 0.00001; gnomAD 0.00001.
gnomAD v4.1: 58 of 1,613,908 alleles (0.0036%); highest among the groups gnomAD compares: Non-Finnish European, 0.0048%; no homozygotes.

Submissions (8):

Labcorp Genetics (formerly Invitae), Labcorp
Classification: Uncertain significance for Hereditary nonpolyposis colorectal neoplasms. Last evaluated: 2025-12-21. Review status: criteria provided, single submitter. Criteria: Invitae Variant Classification Sherloc (09022015). Collection method: clinical testing. Allele origin: germline.
Comment: This sequence change replaces serine, which is neutral and polar, with arginine, which is basic and polar, at codon 517 of the PMS2 protein (p.Ser517Arg). This variant is present in population databases (rs587782479, gnomAD 0.004%). This missense change has been observed in individual(s) with cancer (PMID: 34326862). ClinVar contains an entry for this variant (Variation ID: 142461). Invitae Evidence Modeling incorporating data from in vitro experimental studies (internal data) indicates that this missense variant is not expected to disrupt PMS2 function with a negative predictive value of 95%. In summary, the available evidence is currently insufficient to determine the role of this variant in disease. Therefore, it has been classified as a Variant of Uncertain Significance.

All of Us Research Program, National Institutes of Health
Classification: Uncertain significance for Lynch syndrome. Last evaluated: 2024-08-06. Review status: criteria provided, single submitter. Criteria: ACMG Guidelines, 2015. Collection method: clinical testing. Allele origin: germline. Inheritance: Autosomal dominant inheritance. Observed: 2 variant alleles, 2 heterozygotes.
Comment: This missense variant replaces serine with arginine at codon 517 of the PMS2 protein. Computational prediction suggests that this variant may not impact protein structure and function (internally defined REVEL score threshold <= 0.5, PMID: 27666373). To our knowledge, functional studies have not been reported for this variant. This variant has not been reported in individuals affected with PMS2-related disorders in the literature. This variant has been identified in 4/251270 chromosomes in the general population by the Genome Aggregation Database (gnomAD). The available evidence is insufficient to determine the role of this variant in disease conclusively. Therefore, this variant is classified as a Variant of Uncertain Significance.

This study involves interpretation of variants in research participants for the purpose of population health screening. Participant phenotype was not available at the time of variant classification. Additional details can be found in publication PMID: 35346344, PMCID: PMC8962531

Ambry Genetics
Classification: Likely benign for Hereditary cancer-predisposing syndrome. Last evaluated: 2024-06-01. Review status: criteria provided, single submitter. Criteria: Ambry Variant Classification Scheme 2023. Collection method: clinical testing. Allele origin: germline.

Color Diagnostics, LLC DBA Color Health
Classification: Uncertain significance for Hereditary cancer-predisposing syndrome. Last evaluated: 2024-03-06. Review status: criteria provided, single submitter. Criteria: ACMG Guidelines, 2015. Collection method: clinical testing. Allele origin: germline.
Comment: This missense variant replaces serine with arginine at codon 517 of the PMS2 protein. Computational prediction suggests that this variant may not impact protein structure and function (internally defined REVEL score threshold <= 0.5, PMID: 27666373). To our knowledge, functional studies have not been reported for this variant. This variant has not been reported in individuals affected with PMS2-related disorders in the literature. This variant has been identified in 4/251270 chromosomes in the general population by the Genome Aggregation Database (gnomAD). The available evidence is insufficient to determine the role of this variant in disease conclusively. Therefore, this variant is classified as a Variant of Uncertain Significance.

Quest Diagnostics Nichols Institute San Juan Capistrano
Classification: Uncertain significance. Last evaluated: 2024-01-09. Review status: criteria provided, single submitter. Criteria: Quest Diagnostics criteria. Collection method: clinical testing. Allele origin: unknown.
Comment: The PMS2 c.1551C>A (p.Ser517Arg) variant has been reported in the published literature in individuals with breast cancer (PMID: 33471991 (2021), see also LOVD). This variant has also been identified in individuals suspected of a hereditary cancer syndrome (PMID: 34326862 (2021)). The frequency of this variant in the general population, 0.000035 (4/113646 chromosomes (Genome Aggregation Database)), is uninformative in the assessment of its pathogenicity. Analysis of this variant using bioinformatics tools for the prediction of the effect of amino acid changes on protein structure and function yielded predictions that this variant is benign. Based on the available information, we are unable to determine the clinical significance of this variant.

Mayo Clinic Laboratories, Mayo Clinic
Classification: Uncertain significance. Last evaluated: 2022-06-02. Review status: criteria provided, single submitter. Criteria: ACMG Guidelines, 2015. Collection method: clinical testing. Allele origin: germline. Observed: 1 variant allele.
Comment: BP4

Department of Pathology and Laboratory Medicine, Sinai Health System
Classification: Uncertain significance for Lynch syndrome 4; Mismatch repair cancer syndrome 4. Last evaluated: 2021-04-13. Review status: criteria provided, single submitter. Criteria: ACMG Guidelines, 2015. Collection method: clinical testing. Allele origin: germline. Affected: yes.

GeneDx
Classification: Uncertain significance. Last evaluated: 2019-09-19. Review status: criteria provided, single submitter. Criteria: GeneDx Variant Classification Process June 2021. Collection method: clinical testing. Allele origin: germline. Affected: yes.
Comment: Adequate data are not available in large population cohorts to assess the frequency of this variant in publicly available databases; In silico analysis, which includes protein predictors and evolutionary conservation, supports that this variant does not alter protein structure/function; Has not been previously published as pathogenic or benign to our knowledge

Literature cited by the submitters: PubMed 34326862 (cited by Labcorp Genetics (formerly Invitae), Labcorp and Quest Diagnostics Nichols Institute San Juan Capistrano); PubMed 33471991 (cited by Quest Diagnostics Nichols Institute San Juan Capistrano).